The following is an entry in ClinVar:

NM_001013838.3(CARMIL2):c.3980C>G (p.Pro1327Arg)

Gene: CARMIL2 (capping protein regulator and myosin 1 linker 2; plus strand). Cytogenetic location: 16q22.1.
Variant type: single nucleotide variant.
Coding change: c.3980C>G on transcript NM_001013838.3 (MANE Select); coding-DNA position 3980, C replaced by G.
Protein change: p.Pro1327Arg; replaces proline 1327 with arginine.
Molecular consequence: missense variant.
Genome position (GRCh38, 1-based): chr16:67,656,589, C>G. VCF-style: chr16-67656589-C-G. GRCh37 (hg19) VCF-style: chr16-67690492-C-G.
Other names: c.3872C>G, p.Pro1291Arg (NM_001317026.3); short protein forms P1291R, P1327R.
Identifiers: ClinVar variation 1375873 (VCV001375873.8), dbSNP rs2052861907, ClinGen allele CA396348604.
Genomic context (GRCh38, chr16:67,656,589, plus strand): 5'-AACAGGATGGTCCAGGCCCTCCCTCCCCTGGTCAAAGCCCAAGTCCCTGCAGAACCAGCC[C>G]CTCCCCAGACAGCCTGGGCCTCCCAGAGGACCCTTGCTTGGGCCCCAGAAATGAAGGTAG-3'
Protein context (NP_001013860.1, residues 1317-1337): GQSPSPCRTS[Pro1327Arg]SPDSLGLPED

ClinVar aggregate classification (germline): Uncertain significance (1 of 4 stars; one submission).

Submission:

Labcorp Genetics (formerly Invitae), Labcorp
Classification: Uncertain significance. Last evaluated: 2025-04-22. Review status: criteria provided, single submitter. Criteria: Invitae Variant Classification Sherloc (09022015). Collection method: clinical testing. Allele origin: germline.
Comment: This sequence change replaces proline, which is neutral and non-polar, with arginine, which is basic and polar, at codon 1327 of the CARMIL2 protein (p.Pro1327Arg). This variant is not present in population databases (gnomAD no frequency). This variant has not been reported in the literature in individuals affected with CARMIL2-related conditions. ClinVar contains an entry for this variant (Variation ID: 1375873). Invitae Evidence Modeling of protein sequence and biophysical properties (such as structural, functional, and spatial information, amino acid conservation, physicochemical variation, residue mobility, and thermodynamic stability) indicates that this missense variant is not expected to disrupt CARMIL2 protein function with a negative predictive value of 80%. In summary, the available evidence is currently insufficient to determine the role of this variant in disease. Therefore, it has been classified as a Variant of Uncertain Significance.